The following is an entry in ClinVar:

ClinVar aggregate classification (germline): Likely pathogenic (1 of 4 stars; one submission).

Conditions:
Mucopolysaccharidosis type 1. Also called: IDUA deficiency; MPS I; Mucopolysaccharidosis Type I. Identifiers: Orphanet 579, MedGen C0023786, MONDO:0001586.

Submission:

Natera, Inc.
Classification: Likely pathogenic for Mucopolysaccharidosis type I. Last evaluated: 2024-09-03. Review status: criteria provided, single submitter. Criteria: Natera Variant Classification Schema (03/2026). Collection method: clinical testing. Allele origin: germline.
Comment: The c.1736G>A variant in IDUA is a nonsense variant predicted to introduce a stop codon at amino acid 579. This variant is expected to result in nonsense mediated decay, truncation, or a dysfunctional protein product. This variant is rare in the general population with a frequency below the threshold expected for the associated phenotype(s). Given the available evidence, this variant is classified as Likely Pathogenic.

NM_000203.5(IDUA):c.1736G>A (p.Trp579Ter)

Gene: IDUA (alpha-L-iduronidase; plus strand). Cytogenetic location: 4p16.3.
Variant type: single nucleotide variant.
Coding change: c.1736G>A on transcript NM_000203.5 (MANE Select); coding-DNA position 1736, G replaced by A.
Protein change: p.Trp579Ter; replaces tryptophan 579 with a stop codon.
Molecular consequence: nonsense. On other transcripts: non-coding transcript variant (1).
Genome position (GRCh38, 1-based): chr4:1,004,020, G>A. VCF-style: chr4-1004020-G-A. GRCh37 (hg19) VCF-style: chr4-997808-G-A.
Other names: c.1340G>A, p.Trp447Ter (NM_001363576.1); short protein forms W447*, W579*.
Identifiers: ClinVar variation 4817927 (VCV004817927.1).